The following is an entry in ClinVar:

NM_001003694.2(BRPF1):c.2484G>A (p.Lys828=)

Gene: BRPF1 (bromodomain and PHD finger containing 1; plus strand). Cytogenetic location: 3p25.3.
Variant type: single nucleotide variant.
Coding change: c.2484G>A on transcript NM_001003694.2 (MANE Select); coding-DNA position 2484, G replaced by A.
Protein change: p.Lys828=; no amino-acid change (lysine 828 retained).
Molecular consequence: synonymous variant. On other transcripts: non-coding transcript variant (1).
Genome position (GRCh38, 1-based): chr3:9,743,750, G>A. VCF-style: chr3-9743750-G-A. GRCh37 (hg19) VCF-style: chr3-9785434-G-A.
Other names: c.2466G>A, p.Lys822= (NM_001319049.2, NM_001437892.1, NM_004634.3); c.2463G>A, p.Lys821= (NM_001319050.2, NM_001438342.1, NM_001438343.1 and 1 more transcripts); c.2481G>A, p.Lys827= (NM_001410704.1, NM_001438345.1); c.2484G>A, p.Lys828= (NM_001438344.1).
Identifiers: ClinVar variation 5038857 (VCV005038857.1).

ClinVar aggregate classification (germline): Likely benign (1 of 4 stars; one submission).

gnomAD v4.1: 1 of 1,614,188 alleles (0.000062%); highest among the groups gnomAD compares: Admixed American, 0.0017%; no homozygotes.

Submission:

CeGaT Center for Human Genetics Tuebingen
Classification: Likely benign. Last evaluated: 2026-07-01. Review status: criteria provided, single submitter. Criteria: CeGaT Center For Human Genetics Tuebingen Variant Classification Criteria Version 2. Collection method: clinical testing. Allele origin: germline. Affected: yes. Observed: 1 variant allele.
Comment: BRPF1: BP4, BP7